The following is an entry in ClinVar:

NM_000059.4(BRCA2):c.4592A>G (p.Lys1531Arg)

Gene: BRCA2 (BRCA2 DNA repair associated; plus strand). Cytogenetic location: 13q13.1.
Variant type: single nucleotide variant.
Coding change: c.4592A>G on transcript NM_000059.4 (MANE Select); coding-DNA position 4592, A replaced by G.
Protein change: p.Lys1531Arg; replaces lysine 1531 with arginine.
Molecular consequence: missense variant. On other transcripts: non-coding transcript variant (1), intron variant (2).
Genome position (GRCh38, 1-based): chr13:32,338,947, A>G. VCF-style: chr13-32338947-A-G. GRCh37 (hg19) VCF-style: chr13-32913084-A-G.
Other names: c.4592A>G, p.Lys1531Arg (NM_001406719.1, NM_001406720.1); c.1909+5560A>G (NM_001406721.1); c.425-5611A>G (NM_001406722.1); short protein forms K1531R.
Identifiers: ClinVar variation 2774912 (VCV002774912.6), dbSNP rs2137508070, ClinGen allele CA387781937.

ClinVar aggregate classification (germline): Uncertain significance. Review status: criteria provided, multiple submitters, no conflicts (2 of 4 stars). 3 submissions from 3 submitters: Uncertain significance (3). Last evaluated 2025-12-01.

Conditions:
Hereditary cancer-predisposing syndrome. Also called: Neoplastic Syndromes, Hereditary; Tumor predisposition; Hereditary Cancer Syndrome; Hereditary neoplastic syndrome. Identifiers: Orphanet 140162, MedGen C0027672, MeSH D009386, MONDO:0015356.
Hereditary breast ovarian cancer syndrome. Also called: Hereditary breast and ovarian cancer syndrome (HBOC); Hereditary breast and/or ovarian cancer syndrome; Hereditary breast and ovarian cancer; Hereditary breast and ovarian cancer syndrome; BRCA1- and BRCA2-Associated Hereditary Breast and Ovarian Cancer; Breast and ovarian cancer. Identifiers: Orphanet 145, MedGen C0677776, MeSH D061325, MONDO:0003582. Disease mechanism: loss of function.

Submissions (3):

Ambry Genetics
Classification: Uncertain significance for Hereditary cancer-predisposing syndrome. Last evaluated: 2025-12-01. Review status: criteria provided, single submitter. Criteria: Ambry Variant Classification Scheme 2023. Collection method: clinical testing. Allele origin: germline.
Comment: The p.K1531R variant (also known as c.4592A>G), located in coding exon 10 of the BRCA2 gene, results from an A to G substitution at nucleotide position 4592. The lysine at codon 1531 is replaced by arginine, an amino acid with highly similar properties. This amino acid position is not well conserved in available vertebrate species. In addition, the in silico prediction for this alteration is inconclusive. Based on the available evidence, the clinical significance of this variant remains unclear.

Labcorp Genetics (formerly Invitae), Labcorp
Classification: Uncertain significance for Hereditary breast ovarian cancer syndrome. Last evaluated: 2022-11-17. Review status: criteria provided, single submitter. Criteria: Invitae Variant Classification Sherloc (09022015). Collection method: clinical testing. Allele origin: germline.
Comment: Advanced modeling of protein sequence and biophysical properties (such as structural, functional, and spatial information, amino acid conservation, physicochemical variation, residue mobility, and thermodynamic stability) performed at Invitae indicates that this missense variant is not expected to disrupt BRCA2 protein function. This variant has not been reported in the literature in individuals affected with BRCA2-related conditions. This variant is not present in population databases (gnomAD no frequency). This sequence change replaces lysine, which is basic and polar, with arginine, which is basic and polar, at codon 1531 of the BRCA2 protein (p.Lys1531Arg). In summary, the available evidence is currently insufficient to determine the role of this variant in disease. Therefore, it has been classified as a Variant of Uncertain Significance.

Color Diagnostics, LLC DBA Color Health
Classification: Uncertain significance for Hereditary cancer-predisposing syndrome. Last evaluated: 2022-05-23. Review status: criteria provided, single submitter. Criteria: ACMG Guidelines, 2015. Collection method: clinical testing. Allele origin: germline.
Comment: This missense variant replaces lysine with arginine at codon 1531 of the BRCA2 protein. Computational prediction is inconclusive regarding the impact of this variant on protein structure and function (internally defined REVEL score threshold 0.5 < inconclusive < 0.7, PMID: 27666373). To our knowledge, functional studies have not been reported for this variant. This variant has not been reported in individuals affected with hereditary cancer in the literature. This variant has not been identified in the general population by the Genome Aggregation Database (gnomAD). The available evidence is insufficient to determine the role of this variant in disease conclusively. Therefore, this variant is classified as a Variant of Uncertain Significance.